The following is an entry in ClinVar:

ClinVar aggregate classification (germline): Uncertain significance (1 of 4 stars; one submission).

Conditions:
Hypertrophic cardiomyopathy 13. Also called: TNNC1-Related Familial Hypertrophic Cardiomyopathy. Identifiers: MedGen C2750472, MONDO:0013195, OMIM 613243.
Dilated cardiomyopathy 1Z (CMD1Z). Identifiers: Orphanet 154, MedGen C2678475, MONDO:0012745, OMIM 611879.

gnomAD v4.1: 1 of 1,614,114 alleles (0.000062%); highest among the groups gnomAD compares: South Asian, 0.0011%; no homozygotes.

Submission:

Labcorp Genetics (formerly Invitae), Labcorp
Classification: Uncertain significance for Hypertrophic cardiomyopathy 13; Dilated cardiomyopathy 1Z. Last evaluated: 2025-01-17. Review status: criteria provided, single submitter. Criteria: Invitae Variant Classification Sherloc (09022015). Collection method: clinical testing. Allele origin: germline.
Comment: This sequence change replaces serine, which is neutral and polar, with glycine, which is neutral and non-polar, at codon 89 of the TNNC1 protein (p.Ser89Gly). This variant is not present in population databases (gnomAD no frequency). This missense change has been observed in individual(s) with clinical features of TNNC1-related conditions (internal data). ClinVar contains an entry for this variant (Variation ID: 1352135). An algorithm developed to predict the effect of missense changes on protein structure and function (PolyPhen-2) suggests that this variant is likely to be tolerated. In summary, the available evidence is currently insufficient to determine the role of this variant in disease. Therefore, it has been classified as a Variant of Uncertain Significance.

NM_003280.3(TNNC1):c.265A>G (p.Ser89Gly)

Gene: TNNC1 (troponin C1, slow skeletal and cardiac type; minus strand). Cytogenetic location: 3p21.1.
Variant type: single nucleotide variant.
Coding change: c.265A>G on transcript NM_003280.3 (MANE Select); coding-DNA position 265, A replaced by G.
Protein change: p.Ser89Gly; replaces serine 89 with glycine.
Molecular consequence: missense variant.
Genome position (GRCh38, 1-based): chr3:52,451,796, T>C on the plus strand (A>G on the coding strand, the complement: TNNC1 is on the minus strand). VCF-style: chr3-52451796-T-C. GRCh37 (hg19) VCF-style: chr3-52485812-T-C.
Other names: short protein forms S89G.
Identifiers: ClinVar variation 1352135 (VCV001352135.8), dbSNP rs2153229931, ClinGen allele CA353167261.